The following is an entry in ClinVar:

NM_018897.3(DNAH7):c.6059T>C (p.Met2020Thr)

Gene: DNAH7 (dynein axonemal heavy chain 7; minus strand). Cytogenetic location: 2q32.3.
Variant type: single nucleotide variant.
Coding change: c.6059T>C on transcript NM_018897.3 (MANE Select); coding-DNA position 6059, T replaced by C.
Protein change: p.Met2020Thr; replaces methionine 2020 with threonine.
Molecular consequence: missense variant.
Genome position (GRCh38, 1-based): chr2:195,876,602, A>G on the plus strand (T>C on the coding strand, the complement: DNAH7 is on the minus strand). VCF-style: chr2-195876602-A-G. GRCh37 (hg19) VCF-style: chr2-196741326-A-G.
Other names: short protein forms M2020T.
Identifiers: ClinVar variation 791384 (VCV000791384.7), dbSNP rs10184131, ClinGen allele CA2035229.

ClinVar aggregate classification (germline): Benign. Review status: criteria provided, multiple submitters, no conflicts (2 of 4 stars). 3 submissions from 3 submitters: Benign (2). 1 of the submissions does not count toward it. Last evaluated 2019-12-31.

Conditions:
DNAH7-related disorder. Also called: DNAH7-related condition.

Allele frequency attached by ClinVar (database versions not stated): gnomAD exomes 0.00118 and 0.00279; ExAC 0.00353; ESP Exome Variant Server 0.01088; gnomAD 0.01119 and 0.01195; 1000 Genomes Project 0.01218; TOPMed 0.01234; 1000 Genomes Project 30x 0.01312.
gnomAD v4.1: 3,488 of 1,613,894 alleles (0.22%); highest among the groups gnomAD compares: African/African-American, 3.9%; 70 homozygotes.

Submissions (3):

Labcorp Genetics (formerly Invitae), Labcorp
Classification: Benign. Last evaluated: 2019-12-31. Review status: criteria provided, single submitter. Criteria: Invitae Variant Classification Sherloc (09022015). Collection method: clinical testing. Allele origin: germline.

Breakthrough Genomics
Classification: Benign. Review status: criteria provided, single submitter. Criteria: ACMG Guidelines, 2015. Collection method: not provided. Allele origin: germline. Inheritance: Unknown mechanism. Affected: yes.

PreventionGenetics, part of Exact Sciences
Classification: Likely benign for DNAH7-related condition. Last evaluated: 2020-02-26. Review status: no assertion criteria provided. Collection method: clinical testing. Allele origin: germline. Not counted in ClinVar's aggregate classification.
Comment: This variant is classified as likely benign based on ACMG/AMP sequence variant interpretation guidelines (Richards et al. 2015 PMID: 25741868, with internal and published modifications).